The following is an entry in ClinVar:

ClinVar aggregate classification (germline): Conflicting classifications of pathogenicity. Review status: criteria provided, conflicting classifications (1 of 4 stars). 3 submissions from 3 submitters: Uncertain significance (1); Likely benign (1). 1 of the submissions does not count toward it. Last evaluated 2023-10-15.

Conditions:
Phosphoenolpyruvate carboxykinase deficiency, cytosolic (PCKDC). Also called: PCK1 DEFICIENCY, CYTOSOLIC; PEPCK DEFICIENCY, CYTOSOLIC. Identifiers: Orphanet 2880, MedGen C5574905, MONDO:0009866, OMIM 261680.
PCK1-related disorder. Also called: PCK1-related condition.

Allele frequency attached by ClinVar (database versions not stated): ExAC 0.00010; gnomAD exomes 0.00012 and 0.00025; ESP Exome Variant Server 0.00015; gnomAD 0.00016 and 0.00017; TOPMed 0.00026.
gnomAD v4.1: 388 of 1,613,480 alleles (0.024%); highest among the groups gnomAD compares: Admixed American, 0.037%; 2 homozygotes.

Submissions (3):

Labcorp Genetics (formerly Invitae), Labcorp
Classification: Likely benign. Last evaluated: 2023-10-15. Review status: criteria provided, single submitter. Criteria: Invitae Variant Classification Sherloc (09022015). Collection method: clinical testing. Allele origin: germline.

Illumina Laboratory Services, Illumina
Classification: Uncertain significance for Phosphoenolpyruvate carboxykinase deficiency, cytosolic. Last evaluated: 2018-03-02. Review status: criteria provided, single submitter. Criteria: ICSL Variant Classification Criteria 13 December 2019. Collection method: clinical testing. Allele origin: germline.

PreventionGenetics, part of Exact Sciences
Classification: Likely benign for PCK1-related condition. Last evaluated: 2019-10-15. Review status: no assertion criteria provided. Collection method: clinical testing. Allele origin: germline. Not counted in ClinVar's aggregate classification.
Comment: This variant is classified as likely benign based on ACMG/AMP sequence variant interpretation guidelines (Richards et al. 2015 PMID: 25741868, with internal and published modifications).

NM_002591.4(PCK1):c.414C>A (p.Thr138=)

Gene: PCK1 (phosphoenolpyruvate carboxykinase 1; plus strand). Cytogenetic location: 20q13.31.
Variant type: single nucleotide variant.
Coding change: c.414C>A on transcript NM_002591.4 (MANE Select); coding-DNA position 414, C replaced by A.
Protein change: p.Thr138=; no amino-acid change (threonine 138 retained).
Molecular consequence: synonymous variant.
Genome position (GRCh38, 1-based): chr20:57,562,703, C>A. VCF-style: chr20-57562703-C-A. GRCh37 (hg19) VCF-style: chr20-56137759-C-A.
Identifiers: ClinVar variation 897622 (VCV000897622.9), dbSNP rs143220447, ClinGen allele CA9922005.
Genomic context (GRCh38, chr20:57,562,703, plus strand): 5'-TGTTCGAAGTCCAAGGTCATTTCTCACCAGTGCCCACCCATCGCACCCTGTAGGTCGCAC[C>A]ATGTACGTCATCCCATTCAGCATGGGGCCGCTGGGCTCGCCTCTGTCAAAGATCGGCATC-3'
Protein context (NP_002582.3, residues 128-148): ARFPGCMKGR[Thr138=]MYVIPFSMGP